The following is an entry in ClinVar:

NM_004714.3(DYRK1B):c.106G>C (p.Ala36Pro)

Gene: DYRK1B (dual specificity tyrosine phosphorylation regulated kinase 1B; minus strand). Cytogenetic location: 19q13.2.
Variant type: single nucleotide variant.
Coding change: c.106G>C on transcript NM_004714.3 (MANE Select); coding-DNA position 106, G replaced by C.
Protein change: p.Ala36Pro; replaces alanine 36 with proline.
Molecular consequence: missense variant.
Genome position (GRCh38, 1-based): chr19:39,830,741, C>G on the plus strand (G>C on the coding strand, the complement: DYRK1B is on the minus strand). VCF-style: chr19-39830741-C-G. GRCh37 (hg19) VCF-style: chr19-40321381-C-G.
Other names: c.106G>C, p.Ala36Pro (NM_006483.3, NM_006484.3); short protein forms A36P.
Identifiers: ClinVar variation 2634262 (VCV002634262.2), dbSNP rs373240762, ClinGen allele CA9434438.

ClinVar aggregate classification (germline): Uncertain significance (0 of 4 stars; one submission).

Conditions:
DYRK1B-related disorder. Also called: DYRK1B-related condition.

Allele frequency attached by ClinVar (database versions not stated): ExAC 0.00002; gnomAD exomes 0.00002; gnomAD 0.00003; TOPMed 0.00003; ESP Exome Variant Server 0.00008.

Submission:

PreventionGenetics, part of Exact Sciences
Classification: Uncertain significance for DYRK1B-related condition. Last evaluated: 2024-09-11. Review status: no assertion criteria provided. Collection method: clinical testing. Allele origin: germline.
Comment: The DYRK1B c.106G>C variant is predicted to result in the amino acid substitution p.Ala36Pro. This variant was reported in a cohort study of patients with dyslipidemias; however additional clinical or functional data was not provided to further assess the pathogenicity of this variant (Sup Table 4, Dron et al. 2020. PubMed ID: 32041611). This variant is reported in 0.011% of alleles in individuals of Latino descent in gnomAD. Although we suspect that this variant may be benign, at this time, the clinical significance of this variant is uncertain due to the absence of conclusive functional and genetic evidence.